The following is an entry in ClinVar:

ClinVar aggregate classification (germline): Likely benign (1 of 4 stars; one submission).

Allele frequency attached by ClinVar (database versions not stated): gnomAD exomes below 0.00001; ExAC 0.00001.

Submission:

GeneDx
Classification: Likely benign. Last evaluated: 2018-01-15. Review status: criteria provided, single submitter. Criteria: GeneDx Variant Classification (06012015). Collection method: clinical testing. Allele origin: germline. Affected: yes.
Comment: This variant is considered likely benign or benign based on one or more of the following criteria: it is a conservative change, it occurs at a poorly conserved position in the protein, it is predicted to be benign by multiple in silico algorithms, and/or has population frequency not consistent with disease.

NM_001148.6(ANK2):c.11694+10A>G

Gene: ANK2 (ankyrin 2; plus strand). Cytogenetic location: 4q26.
Variant type: single nucleotide variant.
Coding change: c.11694+10A>G on transcript NM_001148.6 (MANE Select); 10 bases into the intron after coding-DNA position 11694, A replaced by G.
Molecular consequence: intron variant.
Genome position (GRCh38, 1-based): chr4:113,373,183, A>G. VCF-style: chr4-113373183-A-G. GRCh37 (hg19) VCF-style: chr4-114294339-A-G.
Other names: c.5424+10A>G (NM_001386186.2, NM_001386148.2); c.5226+10A>G (NM_001354269.3); c.5304+10A>G (NM_001386187.2); c.5265+10A>G (NM_001386147.1); c.5283+10A>G (NM_001386160.1); c.5388+10A>G (NM_001354254.2); c.5502+10A>G (NM_001354239.2); c.5409+10A>G (NM_001354252.2); and 44 more.
Identifiers: ClinVar variation 514558 (VCV000514558.1), dbSNP rs748321766, ClinGen allele CA3052350.